The following is an entry in ClinVar:

ClinVar aggregate classification (germline): Benign. Review status: criteria provided, multiple submitters, no conflicts (2 of 4 stars). 4 submissions from 4 submitters: Benign (4). Last evaluated 2025-09-27.

Conditions:
Cataract 15 multiple types. Also called: CATARACT 15, LAMELLAR WITH SUTURAL OPACITIES. Identifiers: Orphanet 91492, MedGen C3809001, MONDO:0014110, OMIM 615274.

Allele frequency attached by ClinVar (database versions not stated): gnomAD exomes 0.00031 and 0.00069; ExAC 0.00088; ESP Exome Variant Server 0.00185; gnomAD 0.00210 and 0.00215; TOPMed 0.00244; 1000 Genomes Project 0.00539; 1000 Genomes Project 30x 0.00578.

Submissions (4):

Labcorp Genetics (formerly Invitae), Labcorp
Classification: Benign for Cataract 15 multiple types. Last evaluated: 2025-09-27. Review status: criteria provided, single submitter. Criteria: Invitae Variant Classification Sherloc (09022015). Collection method: clinical testing. Allele origin: germline.

GeneDx
Classification: Benign. Last evaluated: 2020-09-09. Review status: criteria provided, single submitter. Criteria: GeneDx Variant Classification Process June 2021. Collection method: clinical testing. Allele origin: germline. Affected: yes.
Comment: This variant is associated with the following publications: (PMID: 21921980)

Illumina Laboratory Services, Illumina
Classification: Benign for Cataract 15 multiple types. Last evaluated: 2018-01-12. Review status: criteria provided, single submitter. Criteria: ICSL Variant Classification Criteria 13 December 2019. Collection method: clinical testing. Allele origin: germline.
Comment: This variant was observed in the ICSL laboratory as part of a predisposition screen in an ostensibly healthy population. It had not been previously curated by ICSL or reported in the Human Gene Mutation Database (HGMD: prior to June 1st, 2018), and was therefore a candidate for classification through an automated scoring system. Utilizing variant allele frequency, disease prevalence and penetrance estimates, and inheritance mode, an automated score was calculated to assess if this variant is too frequent to cause the disease. Based on the score and internal cut-off values, a variant classified as benign is not then subjected to further curation. The score for this variant resulted in a classification of benign for this disease.

Breakthrough Genomics
Classification: Benign. Review status: criteria provided, single submitter. Criteria: ACMG Guidelines, 2015. Collection method: not provided. Allele origin: germline. Inheritance: Autosomal dominant inheritance. Affected: yes.

NM_012064.4(MIP):c.199G>A (p.Val67Ile)

Gene: MIP (major intrinsic protein of lens fiber; minus strand). Cytogenetic location: 12q13.3.
Variant type: single nucleotide variant.
Coding change: c.199G>A on transcript NM_012064.4 (MANE Select); coding-DNA position 199, G replaced by A.
Protein change: p.Val67Ile; replaces valine 67 with isoleucine.
Molecular consequence: missense variant.
Genome position (GRCh38, 1-based): chr12:56,454,415, C>T on the plus strand (G>A on the coding strand, the complement: MIP is on the minus strand). VCF-style: chr12-56454415-C-T. GRCh37 (hg19) VCF-style: chr12-56848199-C-T.
Other names: short protein forms V67I.
Identifiers: ClinVar variation 702547 (VCV000702547.14), dbSNP rs77163805, ClinGen allele CA6632648.
Genomic context (GRCh38, chr12:56,454,415, plus strand): 5'-AGGCACGGAGCAGGGACATCTGGGAGCCCACAAGGAAAGCAAAAGTGACTGCAGGATTGA[C>T]GTGGGCTCCACTGATGTGGCCCACAGACTGCACCAGTGTAGCCAGGGCCAAGCCAAATGC-3'
Protein context (NP_036196.1, residues 57-77): QSVGHISGAH[Val67Ile]NPAVTFAFLV